The following is an entry in ClinVar:

ClinVar aggregate classification (germline): Uncertain significance. Review status: criteria provided, multiple submitters, no conflicts (2 of 4 stars). 2 submissions from 2 submitters: Uncertain significance (2). Last evaluated 2025-12-16.

Allele frequency attached by ClinVar (database versions not stated): gnomAD exomes below 0.00001.
gnomAD v4.1: 1 of 1,614,208 alleles (0.000062%); highest among the groups gnomAD compares: Non-Finnish European, 0.000085%; no homozygotes.

Submissions (2):

Labcorp Genetics (formerly Invitae), Labcorp
Classification: Uncertain significance. Last evaluated: 2025-12-16. Review status: criteria provided, single submitter. Criteria: Invitae Variant Classification Sherloc (09022015). Collection method: clinical testing. Allele origin: germline.
Comment: This sequence change replaces serine, which is neutral and polar, with proline, which is neutral and non-polar, at codon 341 of the OPN1SW protein (p.Ser341Pro). This variant is not present in population databases (gnomAD no frequency). This variant has not been reported in the literature in individuals affected with OPN1SW-related conditions. ClinVar contains an entry for this variant (Variation ID: 2240721). An algorithm developed to predict the effect of missense changes on protein structure and function (PolyPhen-2) suggests that this variant is likely to be disruptive. In summary, the available evidence is currently insufficient to determine the role of this variant in disease. Therefore, it has been classified as a Variant of Uncertain Significance.

Ambry Genetics
Classification: Uncertain significance. Last evaluated: 2021-08-02. Review status: criteria provided, single submitter. Criteria: Ambry Variant Classification Scheme 2023. Collection method: clinical testing. Allele origin: germline.

NM_001385125.1(OPN1SW):c.1012T>C (p.Ser338Pro)

Genes: OPN1SW (opsin 1, short wave sensitive; minus strand), CALU (calumenin; plus strand). Cytogenetic location: 7q32.1.
Variant type: single nucleotide variant.
Coding change: c.1012T>C on transcript NM_001385125.1 (MANE Select); coding-DNA position 1012, T replaced by C.
Protein change: p.Ser338Pro; replaces serine 338 with proline.
Molecular consequence: missense variant. On other transcripts: 3 prime UTR variant (5), non-coding transcript variant (1).
Genome position (GRCh38, 1-based): chr7:128,772,566, A>G on the plus strand (T>C on the coding strand, the complement: OPN1SW is on the minus strand). VCF-style: chr7-128772566-A-G. GRCh37 (hg19) VCF-style: chr7-128412620-A-G.
Other names: NM_001708.2:c.1021T>C; c.*3399A>G (NM_001130674.3, NM_001199671.2, NM_001199672.2 and 1 more transcripts); c.*3472A>G (NM_001199673.2); short protein forms S338P.
Identifiers: ClinVar variation 2240721 (VCV002240721.3), dbSNP rs1426092236, ClinGen allele CA369215961.